The following is an entry in ClinVar:

ClinVar aggregate classification (germline): Uncertain significance (1 of 4 stars; one submission).

Conditions:
Congenital myopathy with internal nuclei and atypical cores. Also called: Myopathy, centronuclear, 4. Identifiers: Orphanet 319160, MedGen C4707232, MONDO:0013890, OMIM 614807.

Allele frequency attached by ClinVar (database versions not stated): gnomAD exomes below 0.00001; gnomAD 0.00001.
gnomAD v4.1: 2 of 1,590,892 alleles (0.00013%); highest among the groups gnomAD compares: Admixed American, 0.0018%; no homozygotes.

Submission:

Labcorp Genetics (formerly Invitae), Labcorp
Classification: Uncertain significance for Congenital myopathy with internal nuclei and atypical cores. Last evaluated: 2021-03-17. Review status: criteria provided, single submitter. Criteria: Invitae Variant Classification Sherloc (09022015). Collection method: clinical testing. Allele origin: germline.
Comment: In summary, the available evidence is currently insufficient to determine the role of this variant in disease. Therefore, it has been classified as a Variant of Uncertain Significance. This variant has not been reported in the literature in individuals with CCDC78-related conditions. This variant is not present in population databases (ExAC no frequency). This sequence change creates a premature translational stop signal (p.Ser375*) in the CCDC78 gene. It is expected to result in an absent or disrupted protein product. However, the current clinical and genetic evidence is not sufficient to establish whether loss-of-function variants in CCDC78 cause disease.

NM_001378030.1(CCDC78):c.1124C>G (p.Ser375Ter)

Gene: CCDC78 (coiled-coil domain containing 78; minus strand). Cytogenetic location: 16p13.3.
Variant type: single nucleotide variant.
Coding change: c.1124C>G on transcript NM_001378030.1 (MANE Select); coding-DNA position 1124, C replaced by G.
Protein change: p.Ser375Ter; replaces serine 375 with a stop codon.
Molecular consequence: nonsense. On other transcripts: non-coding transcript variant (5), intron variant (1).
Genome position (GRCh38, 1-based): chr16:723,866, G>C on the plus strand (C>G on the coding strand, the complement: CCDC78 is on the minus strand). VCF-style: chr16-723866-G-C. GRCh37 (hg19) VCF-style: chr16-773866-G-C.
Other names: c.1124C>G, p.Ser375Ter (NM_001031737.3); c.557C>G, p.Ser186Ter (NM_001378033.1); c.953+456C>G (NM_001378031.1); short protein forms S186*, S375*.
Identifiers: ClinVar variation 1515363 (VCV001515363.6), dbSNP rs1475409165, ClinGen allele CA394098325.
Genomic context (GRCh38, chr16:723,866, plus strand): 5'-GCTCTCTGCTCATCCCCCACAGGCCTCCCCCACACCCATGAGGGCACTCACTGTGGCTCT[G>C]ATGTTCCCCCCTGGGAGGCTCCACCGGGTCTCTTTTTTGGGGATGAGAGCAGTGCCCCAG-3'